The following is an entry in ClinVar:

ClinVar aggregate classification (germline): not provided (0 of 4 stars; one submission).

Conditions:
Gestational diabetes mellitus uncontrolled. Identifiers: MedGen C3532257.

Submission:

Institute of Molecular and Cell Biology, University of Tartu
No classification provided. Condition: Gestational diabetes mellitus uncontrolled. Review status: no classification provided. Collection method: case-control. Allele origin: unknown. Affected: yes. Study: Kasak2014.
Comment: The study aimed to determine the contribution of copy number variants in the genetic etiology of normal and complicated pregnancies. The samples represented (i) maternal blood DNA drawn from healthy pregnant women during 1st or 2nd trimester and (ii) maternal and paternal blood DNA drawn at term pregnancy cases representing normal and complicated gestations (severe preeclampsia, PE; gestational diabetes, GD; small-for-gestational age newborn, SGA; large-for-gestational age newborn, LGA). We performed CNV calling based on genome-wide genotyping dataset (Illumina HumanOmniExpress-24-v1 BeadChip) by applying three algorithms, QuantiSNP, GADA (Genome Alteration Detection Algorithm) and CNstream in parallel. The acquired CNV calls were merged with HD-CNV (Hotspot Detector for Copy Number Variants) program and only the CNVs predicted by at least two programs, were considered in subsequent analysis.

Literature cited by the submitters: PubMed 25666259.

Single allele

Gene: PPP1R12A-AS2 (PPP1R12A antisense RNA 2; plus strand). Cytogenetic location: 12q21.2.
Variant type: Duplication.
Genome position: GRCh38: chr12:79,761,820-79,766,450. GRCh37 (hg19): chr12:80,155,600-80,160,230.
Identifiers: ClinVar variation 157258 (VCV000157258.2), ClinGen allele CA10575658.